The following is an entry in ClinVar:

ClinVar aggregate classification (germline): Benign (1 of 4 stars; one submission).

Conditions:
Leigh syndrome (NULS). Also called: Leigh's necrotizing encephalopathy; Leigh's disease; Leigh Syndrome (mtDNA deletion); Leigh Disease; Subacute necrotizing encephalopathy; Necrotizing encephalopathy infantile subacute of Leigh. Identifiers: Orphanet 506, MedGen C2931891, MONDO:0009723, OMIM 256000.

Submission:

Wong Mito Lab, Molecular and Human Genetics, Baylor College of Medicine
Classification: Benign for Leigh syndrome. Last evaluated: 2019-10-17. Review status: criteria provided, single submitter. Criteria: Modified ACMG Guidelines (Unpublished). Collection method: clinical testing. Allele origin: germline.
Comment: The NC_012920.1:m.8581G>A (YP_003024031.1:p.Ala19Thr) variant in MTATP6 gene is interpretated to be a Benign variant based on the modified ACMG guidelines (unpublished). This variant meets the following evidence codes: BS1, BS4

NC_012920.1(MT-ATP6):m.8581G>A

Gene: MT-ATP6 (mitochondrially encoded ATP synthase 6; plus strand).
Variant type: single nucleotide variant.
Genome position: chrM-8581-G-A.
Identifiers: ClinVar variation 692911 (VCV000692911.1), dbSNP rs1603221602, ClinGen allele CA414796797.